The following is an entry in ClinVar:

ClinVar aggregate classification (germline): Conflicting classifications of pathogenicity. Review status: criteria provided, conflicting classifications (1 of 4 stars). 3 submissions from 3 submitters: Uncertain significance (2); Likely benign (1). Last evaluated 2026-04-05.

Conditions:
Cardiovascular phenotype. Identifiers: MedGen CN230736.
Telangiectasia, hereditary hemorrhagic, type 1 (HHT1). Also called: Osler Weber Rendu syndrome type 1; ENG-Related Hereditary Hemorrhagic Telangiectasia. Identifiers: Orphanet 774, MedGen C4551861, MONDO:0008535, OMIM 187300. Disease mechanism: loss of function.
Hereditary hemorrhagic telangiectasia (HHT). Also called: ORW DISEASE; Osler Weber Rendu syndrome; OSLER-RENDU-WEBER DISEASE; Osler hemorrhagic telangiectasia syndrome. Identifiers: Orphanet 774, MedGen C0039445, MONDO:0019180. Disease mechanism: loss of function.

gnomAD v4.1: 19 of 1,614,032 alleles (0.0012%); highest among the groups gnomAD compares: South Asian, 0.0099%; no homozygotes.

Submissions (3):

Ambry Genetics
Classification: Likely benign for Cardiovascular phenotype. Last evaluated: 2026-04-05. Review status: criteria provided, single submitter. Criteria: Ambry Variant Classification Scheme 2023. Collection method: clinical testing. Allele origin: germline.

Labcorp Genetics (formerly Invitae), Labcorp
Classification: Uncertain significance for Hereditary hemorrhagic telangiectasia. Last evaluated: 2020-10-12. Review status: criteria provided, single submitter. Criteria: Invitae Variant Classification Sherloc (09022015). Collection method: clinical testing. Allele origin: germline.
Comment: In summary, the available evidence is currently insufficient to determine the role of this variant in disease. Therefore, it has been classified as a Variant of Uncertain Significance. Advanced modeling of protein sequence and biophysical properties (such as structural, functional, and spatial information, amino acid conservation, physicochemical variation, residue mobility, and thermodynamic stability) performed at Invitae indicates that this missense variant is not expected to disrupt ENG protein function. This variant has not been reported in the literature in individuals with ENG-related conditions. ClinVar contains an entry for this variant (Variation ID: 915042). This variant is present in population databases (rs138190783, ExAC 0.02%). This sequence change replaces methionine with threonine at codon 356 of the ENG protein (p.Met356Thr). The methionine residue is weakly conserved and there is a moderate physicochemical difference between methionine and threonine.

Illumina Laboratory Services, Illumina
Classification: Uncertain significance for Telangiectasia, hereditary hemorrhagic, type 1. Last evaluated: 2018-01-13. Review status: criteria provided, single submitter. Criteria: ICSL Variant Classification Criteria 13 December 2019. Collection method: clinical testing. Allele origin: germline.

NM_001114753.3(ENG):c.1067T>C (p.Met356Thr)

Gene: ENG (endoglin; minus strand). Cytogenetic location: 9q34.11.
Variant type: single nucleotide variant.
Coding change: c.1067T>C on transcript NM_001114753.3 (MANE Select); coding-DNA position 1067, T replaced by C.
Protein change: p.Met356Thr; replaces methionine 356 with threonine.
Molecular consequence: missense variant.
Genome position (GRCh38, 1-based): chr9:127,824,371, A>G on the plus strand (T>C on the coding strand, the complement: ENG is on the minus strand). VCF-style: chr9-127824371-A-G. GRCh37 (hg19) VCF-style: chr9-130586650-A-G.
Other names: c.1067T>C, p.Met356Thr (NM_000118.4, NM_001406715.1); c.521T>C, p.Met174Thr (NM_001278138.2); c.1067T>C (NM_001114753.1); short protein forms M174T, M356T.
Identifiers: ClinVar variation 915042 (VCV000915042.14), dbSNP rs138190783, ClinGen allele CA5252890.